The following is an entry in ClinVar:

NM_153747.2(PIGC):c.566T>G (p.Leu189Trp)

Genes: C1orf105 (chromosome 1 open reading frame 105; plus strand), PIGC (phosphatidylinositol glycan anchor biosynthesis class C; minus strand). Cytogenetic location: 1q24.3.
Variant type: single nucleotide variant.
Coding change: c.566T>G on transcript NM_153747.2 (MANE Select); coding-DNA position 566, T replaced by G.
Protein change: p.Leu189Trp; replaces leucine 189 with tryptophan.
Molecular consequence: missense variant. On other transcripts: intron variant (1).
Genome position (GRCh38, 1-based): chr1:172,442,057, A>C on the plus strand (T>G on the coding strand, the complement: PIGC is on the minus strand). VCF-style: chr1-172442057-A-C. GRCh37 (hg19) VCF-style: chr1-172411197-A-C.
Other names: c.566T>G, p.Leu189Trp (NM_002642.4); c.22-3016A>C (NM_139240.4); short protein forms L189W.
Identifiers: ClinVar variation 471151 (VCV000471151.1), dbSNP rs1553259614, ClinGen allele CA343731918.

ClinVar aggregate classification (germline): Likely pathogenic. Review status: criteria provided, single submitter (1 of 4 stars). 2 submissions from 2 submitters: Likely pathogenic (1). 1 of the submissions does not count toward it. Last evaluated 2018-10-15.

Conditions:
Glycosylphosphatidylinositol biosynthesis defect 16. Also called: MENTAL RETARDATION, AUTOSOMAL RECESSIVE 62. Identifiers: MedGen C4540521, MONDO:0040500, OMIM 617816.

Submissions (2):

SIB Swiss Institute of Bioinformatics
Classification: Likely pathogenic for Glycosylphosphatidylinositol biosynthesis defect 16. Last evaluated: 2018-10-15. Review status: criteria provided, single submitter. Criteria: ACMG Guidelines, 2015. Collection method: curation. Allele origin: unknown.
Comment: This variant is interpreted as Likely Pathogenic, for Glycosylphosphatidylinositol biosynthesis defect 16, autosomal recessive. The following ACMG Tag(s) were applied: PM2 => Absent from controls (or at extremely low frequency if recessive) in Exome Sequencing Project, 1000 Genomes Project, or Exome Aggregation Consortium. PP1 => Cosegregation with disease in multiple affected family members in a gene definitively known to cause the disease (PubMed 27694521). PP3 => Multiple lines of computational evidence support a deleterious effect on the gene or gene product. PS3-Moderate => PS3 downgraded in strength to Moderate (PubMed 27694521).

OMIM
Classification: Pathogenic for GLYCOSYLPHOSPHATIDYLINOSITOL BIOSYNTHESIS DEFECT 16. Last evaluated: 2017-12-20. Review status: no assertion criteria provided. Collection method: literature only. Allele origin: germline. Not counted in ClinVar's aggregate classification.

Literature cited by the submitters: PubMed 27694521 (cited by SIB Swiss Institute of Bioinformatics and OMIM).